The following is an entry in ClinVar:

ClinVar aggregate classification (germline): Pathogenic/Likely pathogenic. Review status: criteria provided, multiple submitters, no conflicts (2 of 4 stars). 3 submissions from 3 submitters: Pathogenic (2); Likely pathogenic (1). Last evaluated 2025-07-02.

Conditions:
Spastic paraplegia. Identifiers: MedGen C0037772, HP:0001258.
Combined oxidative phosphorylation defect type 7. Identifiers: Orphanet 254930, MedGen C3150801, MONDO:0013306, OMIM 613559.
Hereditary spastic paraplegia 55. Also called: Spastic paraplegia 55, autosomal recessive. Identifiers: Orphanet 320375, MedGen C3539506, MONDO:0014020, OMIM 615035.

Submissions (3):

Variantyx, Inc.
Classification: Likely pathogenic for Hereditary spastic paraplegia 55. Last evaluated: 2025-07-02. Review status: criteria provided, single submitter. Criteria: Variantyx Assertion Criteria 2022. Collection method: clinical testing. Allele origin: germline. Inheritance: Autosomal recessive inheritance. Affected: no.
Comment: This is a frameshift variant in the C12orf65 gene (OMIM: 613541). Pathogenic variants in this gene have been associated with autosomal recessive spastic paraplegia 55. This variant introduces a premature termination codon in exon 2 out of 3 and is expected to result in loss of function, which is a known disease mechanism for C12orf65 in this disorder (PMID: 24424123, 24284555) (PVS1). It has a 0.0008% maximum allele frequency in non-founder control populations (PM2). Based on the current evidence, this variant is classified as likely pathogenic for autosomal recessive spastic paraplegia 55.No other variant of clinical significance was identified in the C12orf65 gene.

Labcorp Genetics (formerly Invitae), Labcorp
Classification: Pathogenic for Combined oxidative phosphorylation defect type 7; Spastic paraplegia. Last evaluated: 2024-03-07. Review status: criteria provided, single submitter. Criteria: Invitae Variant Classification Sherloc (09022015). Collection method: clinical testing. Allele origin: germline.
Comment: This sequence change creates a premature translational stop signal (p.Ile87Serfs*7) in the C12orf65 gene. While this is not anticipated to result in nonsense mediated decay, it is expected to disrupt the last 80 amino acid(s) of the C12orf65 protein. This variant is present in population databases (rs764645112, gnomAD 0.002%). This variant has not been reported in the literature in individuals affected with C12orf65-related conditions. Algorithms developed to predict the effect of sequence changes on RNA splicing suggest that this variant may disrupt the consensus splice site. This variant disrupts a region of the C12orf65 protein in which other variant(s) (p.Lys138Argfs*17) have been determined to be pathogenic (PMID: 24424123). This suggests that this is a clinically significant region of the protein, and that variants that disrupt it are likely to be disease-causing. For these reasons, this variant has been classified as Pathogenic.

GeneDx
Classification: Pathogenic. Last evaluated: 2023-12-09. Review status: criteria provided, single submitter. Criteria: GeneDx Variant Classification Process June 2021. Collection method: clinical testing. Allele origin: germline. Affected: yes.
Comment: Frameshift variant predicted to result in protein truncation, as the last 80 amino acids are replaced with 6 different amino acids, and other loss-of-function variants have been reported downstream in the Human Gene Mutation Database (HGMD); Not observed at significant frequency in large population cohorts (gnomAD); Has not been previously published as pathogenic or benign to our knowledge; This variant is associated with the following publications: (PMID: 25995486, 24077912)

Literature cited by the submitters: PubMed 24424123 (cited by Variantyx, Inc. and Labcorp Genetics (formerly Invitae), Labcorp); PubMed 24284555 (cited by Variantyx, Inc.).

NM_152269.5(MTRFR):c.259del (p.Ile87fs)

Gene: MTRFR (mitochondrial translation release factor in rescue; plus strand). Cytogenetic location: 12q24.31.
Variant type: Deletion.
Coding change: c.259del on transcript NM_152269.5 (MANE Select); coding-DNA position 259, one base deleted (A; older notation c.259delA).
Protein change: p.Ile87fs; shifts the reading frame from isoleucine 87.
Molecular consequence: frameshift variant.
Genome position (GRCh38, 1-based): chr12:123,253,933, A deleted. VCF-style (leftmost placement, unchanged base first): chr12-123253932-CA-C. GRCh37 (hg19) VCF-style: chr12-123738479-CA-C.
Other names: c.259del, p.Ile87fs (NM_001143905.2, NM_001194995.1); short protein forms I87fs.
Identifiers: ClinVar variation 3340697 (VCV003340697.3).